The following is an entry in ClinVar:

NM_001040108.2(MLH3):c.310G>T (p.Ala104Ser)

Gene: MLH3 (mutL homolog 3; minus strand). Cytogenetic location: 14q24.3.
Variant type: single nucleotide variant.
Coding change: c.310G>T on transcript NM_001040108.2 (MANE Select); coding-DNA position 310, G replaced by T.
Protein change: p.Ala104Ser; replaces alanine 104 with serine.
Molecular consequence: missense variant.
Genome position (GRCh38, 1-based): chr14:75,049,346, C>A on the plus strand (G>T on the coding strand, the complement: MLH3 is on the minus strand). VCF-style: chr14-75049346-C-A. GRCh37 (hg19) VCF-style: chr14-75516049-C-A.
Other names: c.310G>T, p.Ala104Ser (NM_014381.3); short protein forms A104S.
Identifiers: ClinVar variation 1727736 (VCV001727736.2), dbSNP rs2139608439, ClinGen allele CA390451022.

ClinVar aggregate classification (germline): Uncertain significance (1 of 4 stars; one submission).

Submission:

Ambry Genetics
Classification: Uncertain significance. Last evaluated: 2021-11-07. Review status: criteria provided, single submitter. Criteria: Ambry Variant Classification Scheme 2023. Collection method: clinical testing. Allele origin: germline.
Comment: The p.A104S variant (also known as c.310G>T), located in coding exon 1 of the MLH3 gene, results from a G to T substitution at nucleotide position 310. The alanine at codon 104 is replaced by serine, an amino acid with similar properties. This amino acid position is conserved. In addition, the in silico prediction for this alteration is inconclusive. Since supporting evidence is limited at this time, the clinical significance of this alteration remains unclear.